The following is an entry in ClinVar:

NM_000767.5(CYP2B6):c.419G>A (p.Arg140Gln)

Gene: CYP2B6 (cytochrome P450 family 2 subfamily B member 6; plus strand). Cytogenetic location: 19q13.2.
Variant type: single nucleotide variant.
Coding change: c.419G>A on transcript NM_000767.5 (MANE Select); coding-DNA position 419, G replaced by A.
Protein change: p.Arg140Gln; replaces arginine 140 with glutamine.
Molecular consequence: missense variant.
Genome position (GRCh38, 1-based): chr19:41,004,381, G>A. VCF-style: chr19-41004381-G-A. GRCh37 (hg19) VCF-style: chr19-41510286-G-A.
Other names: short protein forms R140Q.
Identifiers: ClinVar variation 2649918 (VCV002649918.24), dbSNP rs35773040, ClinGen allele CA9455200.

ClinVar aggregate classification (germline): Likely benign (1 of 4 stars; one submission).

Allele frequency attached by ClinVar (database versions not stated): 1000 Genomes Project 0.00100; 1000 Genomes Project 30x 0.00109; TOPMed 0.00226; ESP Exome Variant Server 0.00277; gnomAD 0.00324.

Submission:

CeGaT Center for Human Genetics Tuebingen
Classification: Likely benign. Last evaluated: 2023-01-01. Review status: criteria provided, single submitter. Criteria: CeGaT Center For Human Genetics Tuebingen Variant Classification Criteria Version 2. Collection method: clinical testing. Allele origin: germline. Affected: yes. Observed: 2 variant alleles.
Comment: CYP2B6: BP4, BS2